The following is an entry in ClinVar:

NM_012233.3(RAB3GAP1):c.691C>T (p.Arg231Ter)

Gene: RAB3GAP1 (RAB3 GTPase activating protein catalytic subunit 1; plus strand). Cytogenetic location: 2q21.3.
Variant type: single nucleotide variant.
Coding change: c.691C>T on transcript NM_012233.3 (MANE Select); coding-DNA position 691, C replaced by T.
Protein change: p.Arg231Ter; replaces arginine 231 with a stop codon.
Molecular consequence: nonsense.
Genome position (GRCh38, 1-based): chr2:135,120,861, C>T. VCF-style: chr2-135120861-C-T. GRCh37 (hg19) VCF-style: chr2-135878431-C-T.
Other names: c.691C>T, p.Arg231Ter (NM_001172435.2); short protein forms R231*.
Identifiers: ClinVar variation 1338882 (VCV001338882.3), dbSNP rs1310680343, ClinGen allele CA348567854.

ClinVar aggregate classification (germline): Pathogenic. Review status: criteria provided, multiple submitters, no conflicts (2 of 4 stars). 2 submissions from 2 submitters: Pathogenic (2). Last evaluated 2025-04-22.

Allele frequency attached by ClinVar (database versions not stated): gnomAD 0.00004.
gnomAD v4.1: 47 of 1,613,080 alleles (0.0029%); highest among the groups gnomAD compares: East Asian, 0.0045%; no homozygotes.

Submissions (2):

Labcorp Genetics (formerly Invitae), Labcorp
Classification: Pathogenic. Last evaluated: 2025-04-22. Review status: criteria provided, single submitter. Criteria: Invitae Variant Classification Sherloc (09022015). Collection method: clinical testing. Allele origin: germline.
Comment: This sequence change creates a premature translational stop signal (p.Arg231*) in the RAB3GAP1 gene. It is expected to result in an absent or disrupted protein product. Loss-of-function variants in RAB3GAP1 are known to be pathogenic (PMID: 23420520). This variant is present in population databases (no rsID available, gnomAD 0.003%). This premature translational stop signal has been observed in individual(s) with Warburg micro syndrome (PMID: 23420520). ClinVar contains an entry for this variant (Variation ID: 1338882). Algorithms developed to predict the effect of sequence changes on RNA splicing suggest that this variant may disrupt the consensus splice site. For these reasons, this variant has been classified as Pathogenic.

GeneDx
Classification: Pathogenic. Last evaluated: 2022-11-30. Review status: criteria provided, single submitter. Criteria: GeneDx Variant Classification Process June 2021. Collection method: clinical testing. Allele origin: germline. Affected: yes.
Comment: Nonsense variant predicted to result in protein truncation or nonsense mediated decay in a gene for which loss of function is a known mechanism of disease; This variant is associated with the following publications: (PMID: 23420520)

Literature cited by the submitters: PubMed 23420520 (cited by Labcorp Genetics (formerly Invitae), Labcorp).